The following is an entry in ClinVar:

NM_133433.4(NIPBL):c.2798C>G (p.Ala933Gly)

Gene: NIPBL (NIPBL cohesin loading factor; plus strand). Cytogenetic location: 5p13.2.
Variant type: single nucleotide variant.
Coding change: c.2798C>G on transcript NM_133433.4 (MANE Select); coding-DNA position 2798, C replaced by G.
Protein change: p.Ala933Gly; replaces alanine 933 with glycine.
Molecular consequence: missense variant.
Genome position (GRCh38, 1-based): chr5:36,985,978, C>G. VCF-style: chr5-36985978-C-G. GRCh37 (hg19) VCF-style: chr5-36986080-C-G.
Other names: c.2798C>G, p.Ala933Gly (NM_015384.5); short protein forms A933G.
Identifiers: ClinVar variation 2364566 (VCV002364566.3), dbSNP rs139833594, ClinGen allele CA359505368.

ClinVar aggregate classification (germline): Uncertain significance. Review status: criteria provided, multiple submitters, no conflicts (2 of 4 stars). 2 submissions from 2 submitters: Uncertain significance (2). Last evaluated 2024-01-11.

Conditions:
Inborn genetic diseases. Identifiers: MedGen C0950123, MeSH D030342.

gnomAD v4.1: 10 of 1,613,784 alleles (0.00062%); highest among the groups gnomAD compares: Non-Finnish European, 0.00076%; no homozygotes.

Submissions (2):

Women's Health and Genetics/Laboratory Corporation of America, LabCorp
Classification: Uncertain significance. Last evaluated: 2024-01-11. Review status: criteria provided, single submitter. Criteria: LabCorp Variant Classification Summary - May 2015. Collection method: clinical testing. Allele origin: germline.
Comment: Variant summary: NIPBL c.2798C>G (p.Ala933Gly) results in a non-conservative amino acid change in the encoded protein sequence. Four of five in-silico tools predict a benign effect of the variant on protein function. The variant was absent in 251080 control chromosomes. The available data on variant occurrences in the general population are insufficient to allow any conclusion about variant significance. To our knowledge, no occurrence of c.2798C>G in individuals affected with Cornelia De Lange Syndrome 1 and no experimental evidence demonstrating its impact on protein function have been reported. ClinVar contains an entry for this variant (Variation ID: 2364566, VUS). Based on the evidence outlined above, the variant was classified as uncertain significance.

Ambry Genetics
Classification: Uncertain significance for Inborn genetic diseases. Last evaluated: 2021-08-10. Review status: criteria provided, single submitter. Criteria: Ambry Variant Classification Scheme 2023. Collection method: clinical testing. Allele origin: germline.